The following is an entry in ClinVar:

NM_001298.3(CNGA3):c.1655T>C (p.Ile552Thr)

Gene: CNGA3 (cyclic nucleotide gated channel subunit alpha 3; plus strand). Cytogenetic location: 2q11.2.
Variant type: single nucleotide variant.
Coding change: c.1655T>C on transcript NM_001298.3 (MANE Select); coding-DNA position 1655, T replaced by C.
Protein change: p.Ile552Thr; replaces isoleucine 552 with threonine.
Molecular consequence: missense variant.
Genome position (GRCh38, 1-based): chr2:98,396,825, T>C. VCF-style: chr2-98396825-T-C. GRCh37 (hg19) VCF-style: chr2-99013288-T-C.
Other names: c.1601T>C, p.Ile534Thr (NM_001079878.2); short protein forms I534T, I552T.
Identifiers: ClinVar variation 1365905 (VCV001365905.6), dbSNP rs2104249574, ClinGen allele CA347834013.

ClinVar aggregate classification (germline): Likely pathogenic (1 of 4 stars; one submission).

gnomAD v4.1: 2 of 1,614,074 alleles (0.00012%); highest among the groups gnomAD compares: African/African-American, 0.0013%; no homozygotes.

Submission:

Labcorp Genetics (formerly Invitae), Labcorp
Classification: Likely pathogenic. Last evaluated: 2022-10-13. Review status: criteria provided, single submitter. Criteria: Invitae Variant Classification Sherloc (09022015). Collection method: clinical testing. Allele origin: germline.
Comment: In summary, the currently available evidence indicates that the variant is pathogenic, but additional data are needed to prove that conclusively. Therefore, this variant has been classified as Likely Pathogenic. Advanced modeling of protein sequence and biophysical properties (such as structural, functional, and spatial information, amino acid conservation, physicochemical variation, residue mobility, and thermodynamic stability) performed at Invitae indicates that this missense variant is expected to disrupt CNGA3 protein function. ClinVar contains an entry for this variant (Variation ID: 1365905). This missense change has been observed in individual(s) with cone-rod dystrophy (Invitae). In at least one individual the data is consistent with being in trans (on the opposite chromosome) from a pathogenic variant. This variant is not present in population databases (gnomAD no frequency). This sequence change replaces isoleucine, which is neutral and non-polar, with threonine, which is neutral and polar, at codon 552 of the CNGA3 protein (p.Ile552Thr).